The following is an entry in ClinVar:

ClinVar aggregate classification (germline): Likely benign (1 of 4 stars; one submission).

Conditions:
ANO5-related disorder. Also called: ANO5-related condition; ANO5-related disorders. Identifiers: MedGen CN239193.

gnomAD v4.1: 5 of 1,613,960 alleles (0.00031%); highest among the groups gnomAD compares: Non-Finnish European, 0.00034%; no homozygotes.

Submission:

PreventionGenetics, part of Exact Sciences
Classification: Likely benign for ANO5-related condition. Last evaluated: 2025-09-26. Review status: criteria provided, single submitter. Criteria: ACMG Guidelines, 2015. Collection method: clinical testing. Allele origin: germline.
Comment: This variant is classified as likely benign based on ACMG/AMP sequence variant interpretation guidelines (Richards et al. 2015 PMID: 25741868, with internal and published modifications).

NM_213599.3(ANO5):c.1077G>T (p.Val359=)

Gene: ANO5 (anoctamin 5; plus strand). Cytogenetic location: 11p14.3.
Variant type: single nucleotide variant.
Coding change: c.1077G>T on transcript NM_213599.3 (MANE Select); coding-DNA position 1077, G replaced by T.
Protein change: p.Val359=; no amino-acid change (valine 359 retained).
Molecular consequence: synonymous variant.
Genome position (GRCh38, 1-based): chr11:22,250,804, G>T. VCF-style: chr11-22250804-G-T. GRCh37 (hg19) VCF-style: chr11-22272350-G-T.
Other names: c.1074G>T, p.Val358= (NM_001142649.2); c.1035G>T, p.Val345= (NM_001410963.1, NM_001441300.1); c.1032G>T, p.Val344= (NM_001410964.1, NM_001441301.1); c.999G>T, p.Val333= (NM_001441294.1); c.996G>T, p.Val332= (NM_001441295.1); c.984G>T, p.Val328= (NM_001441296.1, NM_001441302.1); c.957G>T, p.Val319= (NM_001441297.1); c.921G>T, p.Val307= (NM_001441298.1); and 1 more.
Identifiers: ClinVar variation 4986133 (VCV004986133.1).